The following is an entry in ClinVar:

NM_001003787.4(STRADA):c.630C>G (p.Tyr210Ter)

Gene: STRADA (STE20 related adaptor alpha; minus strand). Cytogenetic location: 17q23.3.
Variant type: single nucleotide variant.
Coding change: c.630C>G on transcript NM_001003787.4 (MANE Select); coding-DNA position 630, C replaced by G.
Protein change: p.Tyr210Ter; replaces tyrosine 210 with a stop codon.
Molecular consequence: nonsense. On other transcripts: intron variant (1).
Genome position (GRCh38, 1-based): chr17:63,707,370, G>C on the plus strand (C>G on the coding strand, the complement: STRADA is on the minus strand). VCF-style: chr17-63707370-G-C. GRCh37 (hg19) VCF-style: chr17-61784730-G-C.
Other names: c.519C>G, p.Tyr173Ter (NM_001003786.3, NM_001363789.1, NM_153335.6); c.456C>G, p.Tyr152Ter (NM_001003788.3, NM_001363790.1, NM_001363791.1); c.543C>G, p.Tyr181Ter (NM_001165969.2, NM_001363787.1, NM_001411084.1); c.498C>G, p.Tyr166Ter (NM_001165970.2); c.606C>G, p.Tyr202Ter (NM_001363786.1); c.630C>G, p.Tyr210Ter (NM_001363788.1, NM_001411083.1); c.582-631C>G (NM_001411085.1); short protein forms Y152*, Y173*, Y181*, Y166*, Y210*, Y202*.
Identifiers: ClinVar variation 2749405 (VCV002749405.3), dbSNP rs2511074603, ClinGen allele CA400591625.

ClinVar aggregate classification (germline): Pathogenic (1 of 4 stars; one submission).

Conditions:
Polyhydramnios, megalencephaly, and symptomatic epilepsy (PMSE). Also called: PMSE SYNDROME. Identifiers: Orphanet 500533, MedGen C1970203, MONDO:0012611, OMIM 611087.

Submission:

Labcorp Genetics (formerly Invitae), Labcorp
Classification: Pathogenic for Polyhydramnios, megalencephaly, and symptomatic epilepsy. Last evaluated: 2023-05-30. Review status: criteria provided, single submitter. Criteria: Invitae Variant Classification Sherloc (09022015). Collection method: clinical testing. Allele origin: germline.
Comment: For these reasons, this variant has been classified as Pathogenic. Algorithms developed to predict the effect of sequence changes on RNA splicing suggest that this variant may disrupt the consensus splice site. This variant has not been reported in the literature in individuals affected with STRADA-related conditions. This variant is not present in population databases (gnomAD no frequency). This sequence change creates a premature translational stop signal (p.Tyr210*) in the STRADA gene. It is expected to result in an absent or disrupted protein product. Loss-of-function variants in STRADA are known to be pathogenic (PMID: 17522105, 27170158).

Literature cited by the submitters: PubMed 17522105; PubMed 27170158.